The following is an entry in ClinVar:

ClinVar aggregate classification (germline): Uncertain significance (1 of 4 stars; one submission).

Conditions:
Hereditary cancer-predisposing syndrome. Also called: Neoplastic Syndromes, Hereditary; Tumor predisposition; Hereditary Cancer Syndrome; Hereditary neoplastic syndrome. Identifiers: Orphanet 140162, MedGen C0027672, MeSH D009386, MONDO:0015356.

Submission:

Ambry Genetics
Classification: Uncertain significance for Hereditary cancer-predisposing syndrome. Last evaluated: 2021-04-07. Review status: criteria provided, single submitter. Criteria: Ambry Variant Classification Scheme 2023. Collection method: clinical testing. Allele origin: germline.
Comment: The p.V114A variant (also known as c.341T>C), located in coding exon 2 of the PRKAR1A gene, results from a T to C substitution at nucleotide position 341. The valine at codon 114 is replaced by alanine, an amino acid with similar properties. This amino acid position is highly conserved in available vertebrate species. In addition, this alteration is predicted to be deleterious by in silico analysis. Since supporting evidence is limited at this time, the clinical significance of this alteration remains unclear.

NM_002734.5(PRKAR1A):c.341T>C (p.Val114Ala)

Gene: PRKAR1A (protein kinase cAMP-dependent type I regulatory subunit alpha; plus strand). Cytogenetic location: 17q24.2.
Variant type: single nucleotide variant.
Coding change: c.341T>C on transcript NM_002734.5 (MANE Select); coding-DNA position 341, T replaced by C.
Protein change: p.Val114Ala; replaces valine 114 with alanine.
Molecular consequence: missense variant.
Genome position (GRCh38, 1-based): chr17:68,522,919, T>C. VCF-style: chr17-68522919-T-C. GRCh37 (hg19) VCF-style: chr17-66519060-T-C.
Other names: c.341T>C, p.Val114Ala (NM_001276289.2, NM_001276290.1, NM_001278433.2 and 4 more transcripts); short protein forms V114A.
Identifiers: ClinVar variation 1731252 (VCV001731252.2), dbSNP rs2509399733, ClinGen allele CA400752512.
Genomic context (GRCh38, chr17:68,522,919, plus strand): 5'-GGAGGCGACGAGGTGCTATCAGCGCTGAGGTCTACACGGAGGAAGATGCGGCATCCTATG[T>C]TAGAAAGGTAGTTTTGATATTTGAATATCGGGGGGATGCTTTTGGGACCCACTTGGTGGT-3'
Protein context (NP_002725.1, residues 104-124): VYTEEDAASY[Val114Ala]RKVIPKDYKT